The following is an entry in ClinVar:

ClinVar aggregate classification (germline): Uncertain significance (1 of 4 stars; one submission).

Conditions:
Cone-rod dystrophy 6 (CORD6). Also called: Cone dystrophy progressive; RETINAL CONE DYSTROPHY 2. Identifiers: Orphanet 1872, MedGen C1866293, MONDO:0011143, OMIM 601777.
Leber congenital amaurosis 1 (LCA1). Also called: AMAUROSIS CONGENITA OF LEBER I; Congenital absence of the rods and cones; Leber's congenital tapetoretinal degeneration; Leber's congenital tapetoretinal dysplasia; RETINAL BLINDNESS, CONGENITAL. Identifiers: Orphanet 65, MedGen C2931258, MONDO:0008764, OMIM 204000.

Allele frequency attached by ClinVar (database versions not stated): gnomAD 0.00001.
gnomAD v4.1: 2 of 1,613,946 alleles (0.00012%); highest among the groups gnomAD compares: African/African-American, 0.0027%; no homozygotes.

Submission:

Labcorp Genetics (formerly Invitae), Labcorp
Classification: Uncertain significance for Leber congenital amaurosis 1; Cone-rod dystrophy 6. Last evaluated: 2023-09-27. Review status: criteria provided, single submitter. Criteria: Invitae Variant Classification Sherloc (09022015). Collection method: clinical testing. Allele origin: germline.
Comment: This sequence change replaces glutamic acid, which is acidic and polar, with lysine, which is basic and polar, at codon 837 of the GUCY2D protein (p.Glu837Lys). In summary, the available evidence is currently insufficient to determine the role of this variant in disease. Therefore, it has been classified as a Variant of Uncertain Significance. This variant disrupts the p.Glu837 amino acid residue in GUCY2D. Other variant(s) that disrupt this residue have been determined to be pathogenic (PMID: 9618177). This suggests that this residue is clinically significant, and that variants that disrupt this residue are likely to be disease-causing. Advanced modeling of protein sequence and biophysical properties (such as structural, functional, and spatial information, amino acid conservation, physicochemical variation, residue mobility, and thermodynamic stability) has been performed at Invitae for this missense variant, however the output from this modeling did not meet the statistical confidence thresholds required to predict the impact of this variant on GUCY2D protein function. ClinVar contains an entry for this variant (Variation ID: 1061604). This variant has not been reported in the literature in individuals affected with GUCY2D-related conditions. This variant is present in population databases (no rsID available, gnomAD 0.007%).

Literature cited by the submitters: PubMed 9618177.

NM_000180.4(GUCY2D):c.2509G>A (p.Glu837Lys)

Gene: GUCY2D (guanylate cyclase 2D, retinal; plus strand). Cytogenetic location: 17p13.1.
Variant type: single nucleotide variant.
Coding change: c.2509G>A on transcript NM_000180.4 (MANE Select); coding-DNA position 2509, G replaced by A.
Protein change: p.Glu837Lys; replaces glutamic acid 837 with lysine.
Molecular consequence: missense variant.
Genome position (GRCh38, 1-based): chr17:8,014,697, G>A. VCF-style: chr17-8014697-G-A. GRCh37 (hg19) VCF-style: chr17-7918015-G-A.
Other names: short protein forms E837K.
Identifiers: ClinVar variation 1061604 (VCV001061604.9), dbSNP rs377594823, ClinGen allele CA287532988.